The following is an entry in ClinVar:

NM_001376571.1(MADD):c.4241A>G (p.Asn1414Ser)

Gene: MADD (MAP kinase activating death domain; plus strand). Cytogenetic location: 11p11.2.
Variant type: single nucleotide variant.
Coding change: c.4241A>G on transcript NM_001376571.1 (MANE Select); coding-DNA position 4241, A replaced by G.
Protein change: p.Asn1414Ser; replaces asparagine 1414 with serine.
Molecular consequence: missense variant. On other transcripts: non-coding transcript variant (8), intron variant (3).
Genome position (GRCh38, 1-based): chr11:47,311,814, A>G. VCF-style: chr11-47311814-A-G. GRCh37 (hg19) VCF-style: chr11-47333365-A-G.
Other names: NC_000011.9:g.47333365A>G; c.3932A>G, p.Asn1311Ser (NM_001135943.2); c.3923A>G, p.Asn1308Ser (NM_001135944.2, NM_001376618.1, NM_001376619.1 and 2 more transcripts); c.4229A>G, p.Asn1410Ser (NM_001376572.1, NM_001376573.1, NM_001376599.1 and 2 more transcripts); c.4187A>G, p.Asn1396Ser (NM_001376574.1, NM_001376605.1); c.4181A>G, p.Asn1394Ser (NM_001376575.1); c.4169A>G, p.Asn1390Ser (NM_001376576.1, NM_001376577.1, NM_001376610.1); c.4142A>G, p.Asn1381Ser (NM_001376578.1); and 45 more; short protein forms N1264S, N1279S, N1308S, N1312S, N1313S, N1321S, N1354S, N1355S.
Identifiers: ClinVar variation 2320787 (VCV002320787.6), dbSNP rs372333972, ClinGen allele CA5975066.

ClinVar aggregate classification (germline): Uncertain significance. Review status: criteria provided, multiple submitters, no conflicts (2 of 4 stars). 3 submissions from 3 submitters: Uncertain significance (2). 1 of the submissions does not count toward it. Last evaluated 2026-04-15.

Conditions:
MADD-related disorder. Also called: MADD-related condition; MADD-Related Disorders.
Inborn genetic diseases. Identifiers: MedGen C0950123, MeSH D030342.

Allele frequency attached by ClinVar (database versions not stated): gnomAD 0.00010; ExAC 0.00011; ESP Exome Variant Server 0.00015; TOPMed 0.00012.
gnomAD v4.1: 181 of 1,613,704 alleles (0.011%); highest among the groups gnomAD compares: East Asian, 0.025%; no homozygotes.

Submissions (4):

GeneDx
Classification: Uncertain significance. Last evaluated: 2026-04-15. Review status: criteria provided, single submitter. Criteria: GeneDx Variant Classification Process June 2021. Collection method: clinical testing. Allele origin: germline.
Comment: In silico analysis supports that this missense variant has a deleterious effect on protein structure/function; Has not been previously published as pathogenic or benign to our knowledge

Ambry Genetics
Classification: Uncertain significance for Inborn genetic diseases. Last evaluated: 2024-11-13. Review status: criteria provided, single submitter. Criteria: Ambry Variant Classification Scheme 2023. Collection method: clinical testing. Allele origin: germline.

PreventionGenetics, part of Exact Sciences
Classification: Uncertain significance for MADD-related condition. Last evaluated: 2024-03-13. Review status: no assertion criteria provided. Collection method: clinical testing. Allele origin: germline. Not counted in ClinVar's aggregate classification.
Comment: The MADD c.4241A>G variant is predicted to result in the amino acid substitution p.Asn1414Ser. To our knowledge, this variant has not been reported in the literature. This variant is reported in 0.070% of alleles in individuals of East Asian descent in gnomAD. At this time, the clinical significance of this variant is uncertain due to the absence of conclusive functional and genetic evidence.

Dr. Peter K. Rogan Lab, Western University
No classification provided (evidence only). Condition: Melanoma. Review status: no classification provided. Collection method: in vitro. Allele origin: not applicable. Functional consequence: retained intron. Not counted in ClinVar's aggregate classification.